The following is an entry in ClinVar:

NM_001276345.2(TNNT2):c.411+6T>A

Gene: TNNT2 (troponin T2, cardiac type; minus strand). Cytogenetic location: 1q32.1.
Variant type: single nucleotide variant.
Coding change: c.411+6T>A on transcript NM_001276345.2 (MANE Select); 6 bases into the intron after coding-DNA position 411, T replaced by A.
Molecular consequence: intron variant.
Genome position (GRCh38, 1-based): chr1:201,365,185, A>T on the plus strand (T>A on the coding strand, the complement: TNNT2 is on the minus strand). VCF-style: chr1-201365185-A-T. GRCh37 (hg19) VCF-style: chr1-201334313-A-T.
Other names: c.366+6T>A (NM_001001432.3); c.381+6T>A (NM_001001431.3, NM_001001430.3, NM_001276347.2); c.291+425T>A (NM_001276346.2); c.411+6T>A (NM_000364.4).
Identifiers: ClinVar variation 626367 (VCV000626367.20), dbSNP rs761043932, ClinGen allele CA088993.

ClinVar aggregate classification (germline): Uncertain significance. Review status: criteria provided, multiple submitters, no conflicts (2 of 4 stars). 8 submissions from 6 submitters: Uncertain significance (8). Last evaluated 2026-01-07.

Conditions:
Dilated cardiomyopathy 1D. Identifiers: Orphanet 154, Orphanet 54260, MedGen C1832243, MONDO:0011095, OMIM 601494.
Cardiomyopathy, familial restrictive, 3. Identifiers: Orphanet 75249, MedGen C2676271, MONDO:0012900, OMIM 612422.
Hypertrophic cardiomyopathy 2. Also called: TNNT2-Related Familial Hypertrophic Cardiomyopathy. Identifiers: MedGen C1861864, MONDO:0007266, OMIM 115195.
Cardiomyopathy (CMYO). Also called: Cardiomyopathies. Identifiers: Orphanet 167848, MedGen C0878544, MONDO:0004994, HP:0001638. Inheritance: Various modes of inheritance.

Allele frequency attached by ClinVar (database versions not stated): ExAC 0.00001; gnomAD exomes 0.00001 and 0.00004; gnomAD 0.00003; TOPMed 0.00005.
gnomAD v4.1: 54 of 1,606,352 alleles (0.0034%); highest among the groups gnomAD compares: Non-Finnish European, 0.0046%; no homozygotes.

Submissions (8):

Labcorp Genetics (formerly Invitae), Labcorp
Classification: Uncertain significance for Cardiomyopathy, familial restrictive, 3; Hypertrophic cardiomyopathy 2; Dilated cardiomyopathy 1D. Last evaluated: 2026-01-07. Review status: criteria provided, single submitter. Criteria: Invitae Variant Classification Sherloc (09022015). Collection method: clinical testing. Allele origin: germline.
Comment: This sequence change falls in intron 9 of the TNNT2 gene. It does not directly change the encoded amino acid sequence of the TNNT2 protein. It affects a nucleotide within the consensus splice site. This variant is present in population databases (rs761043932, gnomAD 0.003%). This variant has not been reported in the literature in individuals affected with TNNT2-related conditions. ClinVar contains an entry for this variant (Variation ID: 626367). Variants that disrupt the consensus splice site are a relatively common cause of aberrant splicing (PMID: 17576681, 9536098). Algorithms developed to predict the effect of sequence changes on RNA splicing suggest that this variant may disrupt the consensus splice site. In summary, the available evidence is currently insufficient to determine the role of this variant in disease. Therefore, it has been classified as a Variant of Uncertain Significance.

All of Us Research Program, National Institutes of Health
Classification: Uncertain significance for Cardiomyopathy. Last evaluated: 2024-05-14. Review status: criteria provided, single submitter. Criteria: ACMG Guidelines, 2015. Collection method: clinical testing. Allele origin: germline. Inheritance: Autosomal dominant inheritance. Observed: 11 variant alleles, 11 heterozygotes.
Comment: This variant causes a T to A nucleotide substitution at the +6 position of intron 9 of the TNNT2 gene. Computational splicing tools suggest that this variant may impact RNA splicing. To our knowledge, functional studies have not been reported for this variant. This variant has not been reported in individuals affected with cardiovascular disorders in the literature. This variant has been identified in 3/251490 chromosomes in the general population by the Genome Aggregation Database (gnomAD). The available evidence is insufficient to determine the role of this variant in disease conclusively. Therefore, this variant is classified as a Variant of Uncertain Significance.

This study involves interpretation of variants in research participants for the purpose of population health screening. Participant phenotype was not available at the time of variant classification. Additional details can be found in publication PMID: 35346344, PMCID: PMC8962531

Color Diagnostics, LLC DBA Color Health
Classification: Uncertain significance for Cardiomyopathy. Last evaluated: 2024-04-22. Review status: criteria provided, single submitter. Criteria: ACMG Guidelines, 2015. Collection method: clinical testing. Allele origin: germline.
Comment: This variant causes a T to A nucleotide substitution at the +6 position of intron 9 of the TNNT2 gene. Computational splicing tools suggest that this variant may impact RNA splicing. To our knowledge, RNA studies have not been reported for this variant. This variant has not been reported in individuals affected with cardiovascular disorders in the literature. This variant has been identified in 3/251490 chromosomes in the general population by the Genome Aggregation Database (gnomAD). The available evidence is insufficient to determine the role of this variant in disease conclusively. Therefore, this variant is classified as a Variant of Uncertain Significance.

Genome-Nilou Lab
Classification: Uncertain significance for Dilated cardiomyopathy 1D. Last evaluated: 2023-04-11. Review status: criteria provided, single submitter. Criteria: ACMG Guidelines, 2015. Collection method: clinical testing. Allele origin: germline. Affected: no.

Genome-Nilou Lab
Classification: Uncertain significance for Cardiomyopathy, familial restrictive, 3. Last evaluated: 2023-04-11. Review status: criteria provided, single submitter. Criteria: ACMG Guidelines, 2015. Collection method: clinical testing. Allele origin: germline. Affected: no.

Genome-Nilou Lab
Classification: Uncertain significance for Hypertrophic cardiomyopathy 2. Last evaluated: 2023-04-11. Review status: criteria provided, single submitter. Criteria: ACMG Guidelines, 2015. Collection method: clinical testing. Allele origin: germline. Affected: no.

Blueprint Genetics
Classification: Uncertain significance. Last evaluated: 2019-06-13. Review status: criteria provided, single submitter. Criteria: ACMG Guidelines, 2015. Collection method: clinical testing. Allele origin: germline.

CHEO Genetics Diagnostic Laboratory, Children's Hospital of Eastern Ontario
Classification: Uncertain significance for Cardiomyopathy. Last evaluated: 2016-01-07. Review status: criteria provided, single submitter. Criteria: ACMG Guidelines, 2015. Collection method: clinical testing. Allele origin: germline. Study: Canadian Open Genetics Repository.

Literature cited by the submitters: PubMed 17576681 (cited by Labcorp Genetics (formerly Invitae), Labcorp); PubMed 9536098 (cited by Labcorp Genetics (formerly Invitae), Labcorp).